The following is an entry in ClinVar:

NM_001077653.2(TBX20):c.-517C>T

Gene: TBX20 (T-box transcription factor 20; minus strand). Cytogenetic location: 7p14.2.
Variant type: single nucleotide variant.
Coding change: c.-517C>T on transcript NM_001077653.2 (MANE Select); 517 bases upstream of the start codon, C replaced by T.
Genome position (GRCh38, 1-based): chr7:35,254,137, G>A on the plus strand (C>T on the coding strand, the complement: TBX20 is on the minus strand). VCF-style: chr7-35254137-G-A. GRCh37 (hg19) VCF-style: chr7-35293748-G-A.
Other names: c.-517C>T (LRG_755t1).
Identifiers: ClinVar variation 132821 (VCV000132821.2), dbSNP rs483353001, ClinGen allele CA156232.

ClinVar aggregate classification (germline): Uncertain significance (0 of 4 stars; one submission).

Conditions:
Atrial septal defect 4 (ASD4). Identifiers: Orphanet 1478, MedGen C1969657, MONDO:0012654, OMIM 611363.

Submission:

Laboratory of Genomics, Instituto Nacional de Cardiología Ignacio Chávez
Classification: Uncertain significance for Atrial septal defect 4. Review status: no assertion criteria provided. Collection method: not provided. Allele origin: unknown.
ClinVar note: Converted during submission from unknown to Uncertain significance.